The following is an entry in ClinVar:

NM_000553.6(WRN):c.2117C>T (p.Ala706Val)

Gene: WRN (WRN RecQ like helicase; plus strand). Cytogenetic location: 8p12.
Variant type: single nucleotide variant.
Coding change: c.2117C>T on transcript NM_000553.6 (MANE Select); coding-DNA position 2117, C replaced by T.
Protein change: p.Ala706Val; replaces alanine 706 with valine.
Molecular consequence: missense variant.
Genome position (GRCh38, 1-based): chr8:31,111,643, C>T. VCF-style: chr8-31111643-C-T. GRCh37 (hg19) VCF-style: chr8-30969159-C-T.
Other names: short protein forms A706V.
Identifiers: ClinVar variation 1427655 (VCV001427655.6), dbSNP rs2130283010, ClinGen allele CA370912450.

ClinVar aggregate classification (germline): Uncertain significance (1 of 4 stars; one submission).

Conditions:
Werner syndrome (WRN). Identifiers: Orphanet 902, MedGen C0043119, MONDO:0010196, OMIM 277700.

Allele frequency attached by ClinVar (database versions not stated): gnomAD exomes 0.00001.
gnomAD v4.1: 16 of 1,614,034 alleles (0.00099%); highest among the groups gnomAD compares: Non-Finnish European, 0.0013%; no homozygotes.

Submission:

Labcorp Genetics (formerly Invitae), Labcorp
Classification: Uncertain significance for Werner syndrome. Last evaluated: 2021-09-19. Review status: criteria provided, single submitter. Criteria: Invitae Variant Classification Sherloc (09022015). Collection method: clinical testing. Allele origin: germline.
Comment: This sequence change replaces alanine with valine at codon 706 of the WRN protein (p.Ala706Val). The alanine residue is highly conserved and there is a small physicochemical difference between alanine and valine. This variant is not present in population databases (ExAC no frequency). This variant has not been reported in the literature in individuals affected with WRN-related conditions. Algorithms developed to predict the effect of missense changes on protein structure and function are either unavailable or do not agree on the potential impact of this missense change (SIFT: "Not Available"; PolyPhen-2: "Probably Damaging"; Align-GVGD: "Not Available"). Algorithms developed to predict the effect of sequence changes on RNA splicing suggest that this variant may create or strengthen a splice site. In summary, the available evidence is currently insufficient to determine the role of this variant in disease. Therefore, it has been classified as a Variant of Uncertain Significance.